The following is an entry in ClinVar:

ClinVar aggregate classification (germline): Pathogenic (0 of 4 stars; one submission).

Conditions:
Granulocytopenia with immunoglobulin abnormality. Identifiers: MedGen C1856263, MONDO:0009305, OMIM 233600.

Submission:

Molecular ImmunoRheumatology UMRS_1109, Institut national de la santé et de la recherche médicale
Classification: Pathogenic for Granulocytopenia with immunoglobulin abnormality. Last evaluated: 2024-05-15. Review status: no assertion criteria provided. Collection method: research. Allele origin: paternal. Inheritance: Autosomal recessive inheritance. Affected: yes. Observed: 1 variant allele, 1 compound heterozygote.
Comment: The variant is absent in gnomAD v4.1 and is predicted to be deleterious by multiple in silico tools, including CADD (42), GERP++_RS (5.54), MutationTaster (Deleterious) and PhastConsd (0.869).

Literature cited by the submitters: DOI 10.1016/j.jaci.2016.09.050; DOI 10.1080/08820139.2022.2072736; DOI 10.18502/ijaai.v21i3.9808.

NM_006389.5(HYOU1):c.2270_2272dup (p.Pro757_Glu758insAla)

Gene: HYOU1 (hypoxia up-regulated 1; minus strand). Cytogenetic location: 11q23.3.
Variant type: Duplication.
Coding change: c.2270_2272dup on transcript NM_006389.5 (MANE Select); coding-DNA positions 2270 to 2272, 3 bases duplicated (CCG; older notation c.2270_2272dupCCG).
Protein change: p.Pro757_Glu758insAla.
Molecular consequence: inframe insertion.
Genome position (GRCh38, 1-based): chr11:119,048,352-119,048,354, CGG duplicated on the plus strand (CCG on the coding strand, the reverse complement: HYOU1 is on the minus strand). VCF-style (leftmost placement, unchanged base first): chr11-119048351-T-TCGG. GRCh37 (hg19) VCF-style: chr11-118919063-T-TCGG.
Other names: c.2270_2272dupCCG (NM_001130991.3); c.2270_2272dup, p.Pro757_Glu758insAla (NM_001130991.3, NM_001411041.1).
Identifiers: ClinVar variation 4851307 (VCV004851307.1).